The following is an entry in ClinVar:

NM_001613.4(ACTA2):c.455-9G>A

Gene: ACTA2 (actin alpha 2, smooth muscle; minus strand). Cytogenetic location: 10q23.31.
Variant type: single nucleotide variant.
Coding change: c.455-9G>A on transcript NM_001613.4 (MANE Select); 9 bases into the intron before coding-DNA position 455, G replaced by A.
Molecular consequence: intron variant.
Genome position (GRCh38, 1-based): chr10:88,941,399, C>T on the plus strand (G>A on the coding strand, the complement: ACTA2 is on the minus strand). VCF-style: chr10-88941399-C-T. GRCh37 (hg19) VCF-style: chr10-90701156-C-T.
Other names: c.326-9G>A (NM_001406467.1, NM_001406468.1, NM_001406469.1); c.455-9G>A (NM_001320855.2, NM_001406462.1, NM_001406471.1 and 3 more transcripts); c.344-9G>A (NM_001406466.1).
Identifiers: ClinVar variation 3076155 (VCV003076155.1), dbSNP rs1845849136, ClinGen allele CA2825001717.

ClinVar aggregate classification (germline): Uncertain significance (1 of 4 stars; one submission).

Conditions:
Familial thoracic aortic aneurysm and aortic dissection (TAAD). Also called: Thoracic aortic aneurysms and dissections. Identifiers: Orphanet 91387, MedGen C4707243, MONDO:0019625.

Submission:

Ambry Genetics
Classification: Uncertain significance for Familial thoracic aortic aneurysm and aortic dissection. Last evaluated: 2015-05-03. Review status: criteria provided, single submitter. Criteria: Ambry Variant Classification Scheme 2023. Collection method: clinical testing. Allele origin: germline.
Comment: The c.455-9G>A intronic alteration consists of a G to A substitution 9 nucleotides before coding exon 5 in the ACTA2 gene. Based on insufficient or conflicting evidence, the clinical significance of this alteration remains unclear.